The following is an entry in ClinVar:

NM_000538.4(RFXAP):c.160G>C (p.Gly54Arg)

Gene: RFXAP (regulatory factor X associated protein; plus strand). Cytogenetic location: 13q13.3.
Variant type: single nucleotide variant.
Coding change: c.160G>C on transcript NM_000538.4 (MANE Select); coding-DNA position 160, G replaced by C.
Protein change: p.Gly54Arg; replaces glycine 54 with arginine.
Molecular consequence: missense variant.
Genome position (GRCh38, 1-based): chr13:36,819,517, G>C. VCF-style: chr13-36819517-G-C. GRCh37 (hg19) VCF-style: chr13-37393654-G-C.
Other names: c.160G>C (NM_000538.3); short protein forms G54R.
Identifiers: ClinVar variation 1403543 (VCV001403543.4), dbSNP rs2057954224, ClinGen allele CA387852377.

ClinVar aggregate classification (germline): Uncertain significance. Review status: criteria provided, multiple submitters, no conflicts (2 of 4 stars). 2 submissions from 2 submitters: Uncertain significance (2). Last evaluated 2024-08-27.

Conditions:
MHC class II deficiency. Also called: BLS, TYPE II; Bare lymphocyte syndrome 2. Identifiers: Orphanet 572, MedGen C5447452, MONDO:0008855.

Allele frequency attached by ClinVar (database versions not stated): TOPMed below 0.00001.

Submissions (2):

Ambry Genetics
Classification: Uncertain significance. Last evaluated: 2024-08-27. Review status: criteria provided, single submitter. Criteria: Ambry Variant Classification Scheme 2023. Collection method: clinical testing. Allele origin: germline.

Labcorp Genetics (formerly Invitae), Labcorp
Classification: Uncertain significance for MHC class II deficiency. Last evaluated: 2021-10-18. Review status: criteria provided, single submitter. Criteria: Invitae Variant Classification Sherloc (09022015). Collection method: clinical testing. Allele origin: germline.
Comment: This sequence change replaces glycine with arginine at codon 54 of the RFXAP protein (p.Gly54Arg). The glycine residue is moderately conserved and there is a moderate physicochemical difference between glycine and arginine. The frequency data for this variant in the population databases is considered unreliable, as metrics indicate insufficient coverage at this position in the ExAC database. This variant has not been reported in the literature in individuals affected with RFXAP-related conditions. Algorithms developed to predict the effect of missense changes on protein structure and function output the following: SIFT: "Tolerated"; PolyPhen-2: "Benign"; Align-GVGD: "Class C0". The arginine amino acid residue is found in multiple mammalian species, which suggests that this missense change does not adversely affect protein function. In summary, the available evidence is currently insufficient to determine the role of this variant in disease. Therefore, it has been classified as a Variant of Uncertain Significance.